The following is an entry in ClinVar:

ClinVar aggregate classification (germline): Uncertain significance (1 of 4 stars; one submission).

Submission:

GeneDx
Classification: Uncertain significance. Last evaluated: 2026-04-21. Review status: criteria provided, single submitter. Criteria: GeneDx Variant Classification Process June 2021. Collection method: clinical testing. Allele origin: germline.
Comment: Not observed at significant frequency in large population cohorts (gnomAD); Nonsense variant predicted to result in protein truncation as the last 78 amino acids are lost; Has not been previously published as pathogenic or benign to our knowledge

NM_006237.4(POU4F1):c.1024G>T (p.Glu342Ter)

Genes: OBI1-AS1 (OBI1 antisense RNA 1; plus strand), POU4F1 (POU class 4 homeobox 1; minus strand). Cytogenetic location: 13q31.1.
Variant type: single nucleotide variant.
Coding change: c.1024G>T on transcript NM_006237.4 (MANE Select); coding-DNA position 1024, G replaced by T.
Protein change: p.Glu342Ter; replaces glutamic acid 342 with a stop codon.
Molecular consequence: nonsense.
Genome position (GRCh38, 1-based): chr13:78,601,651, C>A on the plus strand (G>T on the coding strand, the complement: POU4F1 is on the minus strand). VCF-style: chr13-78601651-C-A. GRCh37 (hg19) VCF-style: chr13-79175786-C-A.
Other names: short protein forms E342*.
Identifiers: ClinVar variation 5037438 (VCV005037438.1).